The following is an entry in ClinVar:

NM_001352514.2(HLCS):c.494C>T (p.Ser165Leu)

Gene: HLCS (holocarboxylase synthetase; minus strand). Cytogenetic location: 21q22.13.
Variant type: single nucleotide variant.
Coding change: c.494C>T on transcript NM_001352514.2 (MANE Select); coding-DNA position 494, C replaced by T.
Protein change: p.Ser165Leu; replaces serine 165 with leucine.
Molecular consequence: missense variant. On other transcripts: non-coding transcript variant (2).
Genome position (GRCh38, 1-based): chr21:36,937,392, G>A on the plus strand (C>T on the coding strand, the complement: HLCS is on the minus strand). VCF-style: chr21-36937392-G-A. GRCh37 (hg19) VCF-style: chr21-38309692-G-A.
Other names: c.53C>T, p.Ser18Leu (NM_000411.8, NM_001242784.3, NM_001242785.2 and 4 more transcripts); short protein forms S165L, S18L.
Identifiers: ClinVar variation 3730668 (VCV003730668.2).

ClinVar aggregate classification (germline): Uncertain significance (1 of 4 stars; one submission).

Conditions:
Holocarboxylase synthetase deficiency. Also called: MULTIPLE CARBOXYLASE DEFICIENCY, EARLY ONSET. Identifiers: Orphanet 79242, MedGen C0268581, MONDO:0009666, OMIM 253270.

gnomAD v4.1: 41 of 1,611,448 alleles (0.0025%); highest among the groups gnomAD compares: East Asian, 0.013%; no homozygotes.

Submission:

Labcorp Genetics (formerly Invitae), Labcorp
Classification: Uncertain significance for Holocarboxylase synthetase deficiency. Last evaluated: 2024-10-22. Review status: criteria provided, single submitter. Criteria: Invitae Variant Classification Sherloc (09022015). Collection method: clinical testing. Allele origin: germline.
Comment: This sequence change replaces serine, which is neutral and polar, with leucine, which is neutral and non-polar, at codon 18 of the HLCS protein (p.Ser18Leu). This variant is present in population databases (rs145793436, gnomAD 0.009%). This variant has not been reported in the literature in individuals affected with HLCS-related conditions. Invitae Evidence Modeling of protein sequence and biophysical properties (such as structural, functional, and spatial information, amino acid conservation, physicochemical variation, residue mobility, and thermodynamic stability) indicates that this missense variant is expected to disrupt HLCS protein function with a positive predictive value of 95%. In summary, the available evidence is currently insufficient to determine the role of this variant in disease. Therefore, it has been classified as a Variant of Uncertain Significance.